The following is an entry in ClinVar:

ClinVar aggregate classification (germline): Uncertain significance. Review status: criteria provided, multiple submitters, no conflicts (2 of 4 stars). 2 submissions from 2 submitters: Uncertain significance (2). Last evaluated 2026-04-14.

Conditions:
Bardet-Biedl syndrome (BBS). Identifiers: Orphanet 110, MedGen C0752166, MONDO:0015229.

gnomAD v4.1: 18 of 1,612,374 alleles (0.0011%); highest among the groups gnomAD compares: Non-Finnish European, 0.0014%; no homozygotes.

Submissions (2):

Women's Health and Genetics/Laboratory Corporation of America, LabCorp
Classification: Uncertain significance. Last evaluated: 2026-04-14. Review status: criteria provided, single submitter. Criteria: LabCorp Variant Classification Summary - May 2015. Collection method: clinical testing. Allele origin: germline.

Labcorp Genetics (formerly Invitae), Labcorp
Classification: Uncertain significance for Bardet-Biedl syndrome. Last evaluated: 2024-09-27. Review status: criteria provided, single submitter. Criteria: Invitae Variant Classification Sherloc (09022015). Collection method: clinical testing. Allele origin: germline.
Comment: This sequence change replaces methionine, which is neutral and non-polar, with valine, which is neutral and non-polar, at codon 46 of the BBS9 protein (p.Met46Val). This variant is present in population databases (no rsID available, gnomAD 0.0009%). This variant has not been reported in the literature in individuals affected with BBS9-related conditions. Invitae Evidence Modeling of protein sequence and biophysical properties (such as structural, functional, and spatial information, amino acid conservation, physicochemical variation, residue mobility, and thermodynamic stability) indicates that this missense variant is expected to disrupt BBS9 protein function with a positive predictive value of 80%. In summary, the available evidence is currently insufficient to determine the role of this variant in disease. Therefore, it has been classified as a Variant of Uncertain Significance.

NM_198428.3(BBS9):c.136A>G (p.Met46Val)

Gene: BBS9 (Bardet-Biedl syndrome 9; plus strand). Cytogenetic location: 7p14.3.
Variant type: single nucleotide variant.
Coding change: c.136A>G on transcript NM_198428.3 (MANE Select); coding-DNA position 136, A replaced by G.
Protein change: p.Met46Val; replaces methionine 46 with valine.
Molecular consequence: missense variant. On other transcripts: 5 prime UTR variant (4), initiator codon variant (1), non-coding transcript variant (3), intron variant (2).
Genome position (GRCh38, 1-based): chr7:33,152,724, A>G. VCF-style: chr7-33152724-A-G. GRCh37 (hg19) VCF-style: chr7-33192336-A-G.
Other names: c.136A>G, p.Met46Val (NM_001033604.2, NM_001033605.2, NM_001348036.1 and 5 more transcripts); c.-166A>G (NM_001348037.3, NM_001348045.3); c.-142A>G (NM_001348038.3, NM_001348039.3); c.1A>G, p.Met1Val (NM_001348042.3); c.-39+22683A>G (NM_001348046.3, NM_001348044.3); short protein forms M1V, M46V.
Identifiers: ClinVar variation 3670125 (VCV003670125.3).